The following is an entry in ClinVar:

GRCh38/hg38 2q32.1(chr2:185571260-185998642)x1

Genes: FSIP2 (fibrous sheath interacting protein 2; plus strand), FSIP2-AS1 (FSIP2 antisense RNA 1; minus strand), FSIP2-AS2 (FSIP2 antisense RNA 2; minus strand), LOC122861263 (Sharpr-MPRA regulatory region 9118; plus strand), LOC129388967 (MPRA-validated peak3973 silencer; plus strand) and 1 more. Cytogenetic location: 2q32.1.
Variant type: copy number loss.
Change: copy number 1 (one copy instead of two) of chr2:185,571,260-185,998,642 (427.4 kb, GRCh38 coordinates, 1-based), cytogenetic band 2q32.1.
Identifiers: ClinVar variation 153682 (VCV000153682.2).

ClinVar aggregate classification (germline): conflicting data from submitters (0 of 4 stars; one submission).

Submission:

ISCA site 1
Classification: conflicting data from submitters. Last evaluated: 2014-07-18. Review status: no assertion criteria provided. Collection method: clinical testing. Allele origin: maternal, unknown. Affected: yes. Observed: 2 variant alleles.
Comment: Uncertain significance(1), Likely benign (1)

Copy number variation identified through the course of routine clinical cytogenomic testing in postnatal populations, with clinical assertions as classified by the original submitter. For data from the original published study, Kaminsky, et al. 2011 (PubMed 21844811), please see nstd101.